The following is an entry in ClinVar:

NM_015221.4(DNMBP):c.2408del (p.Leu803fs)

Gene: DNMBP (dynamin binding protein; minus strand). Cytogenetic location: 10q24.2.
Variant type: Deletion.
Coding change: c.2408del on transcript NM_015221.4 (MANE Select); coding-DNA position 2408, one base deleted (T; older notation c.2408delT).
Protein change: p.Leu803fs; shifts the reading frame from leucine 803.
Molecular consequence: frameshift variant. On other transcripts: 5 prime UTR variant (3), non-coding transcript variant (2).
Genome position (GRCh38, 1-based): chr10:99,908,999, A deleted on the plus strand (T on the coding strand, the reverse complement: DNMBP is on the minus strand). VCF-style (leftmost placement, unchanged base first): chr10-99908998-CA-C. GRCh37 (hg19) VCF-style: chr10-101668755-CA-C.
Other names: c.1304del, p.Leu435fs (NM_001318326.2); c.146del, p.Leu49fs (NM_001318327.2, NM_001441290.1); c.2408del, p.Leu803fs (NM_001441287.1, NM_001441288.1); c.-414del (NM_001441291.1); c.-271del (NM_001441292.1); c.-886del (NM_001441293.1); short protein forms L435fs, L803fs, L49fs.
Identifiers: ClinVar variation 5007758 (VCV005007758.2).
Genomic context (GRCh38, chr10:99,908,998, plus strand): 5'-TCTCCCAGTTCCCACCTGTGCCTGCTGCATGGGTACCATGATCCGCTCAATACACATTTC[CA>C]GATCCCGAATGTAGTCTCTTTCTGTCTGAAGAAGTTCTTCTATGACCTTGGCTCTCTTCT-3'

ClinVar aggregate classification (germline): Pathogenic (1 of 4 stars; one submission).

Conditions:
Cataract 48. Identifiers: MedGen C5193082, MONDO:0032735, OMIM 618415.

Submission:

Juno Genomics, Hangzhou Juno Genomics, Inc
Classification: Pathogenic for Cataract 48. Review status: criteria provided, single submitter. Criteria: ACMG Guidelines, 2015. Collection method: clinical testing. Allele origin: germline.
Comment: Null variant in a gene where loss of function (LOF) is a known mechanism of disease.;Absent from controls (or at extremely low frequency if recessive) in Genome Aggregation Database.;Patient's phenotype or family history is highly specific for a disease with a single genetic etiology.